The following is an entry in ClinVar:

NM_000587.4(C7):c.1063G>T (p.Glu355Ter)

Gene: C7 (complement C7; plus strand). Cytogenetic location: 5p13.1.
Variant type: single nucleotide variant.
Coding change: c.1063G>T on transcript NM_000587.4 (MANE Select); coding-DNA position 1063, G replaced by T.
Protein change: p.Glu355Ter; replaces glutamic acid 355 with a stop codon.
Molecular consequence: nonsense.
Genome position (GRCh38, 1-based): chr5:40,949,984, G>T. VCF-style: chr5-40949984-G-T. GRCh37 (hg19) VCF-style: chr5-40950086-G-T.
Other names: short protein forms E355*.
Identifiers: ClinVar variation 1399210 (VCV001399210.6), dbSNP rs2111637536, ClinGen allele CA359584303.

ClinVar aggregate classification (germline): Pathogenic (1 of 4 stars; one submission).

Submission:

Labcorp Genetics (formerly Invitae), Labcorp
Classification: Pathogenic. Last evaluated: 2025-04-07. Review status: criteria provided, single submitter. Criteria: Invitae Variant Classification Sherloc (09022015). Collection method: clinical testing. Allele origin: germline.
Comment: This sequence change creates a premature translational stop signal (p.Glu355*) in the C7 gene. It is expected to result in an absent or disrupted protein product. Loss-of-function variants in C7 are known to be pathogenic (PMID: 9856499, 17407100). This variant is not present in population databases (gnomAD no frequency). This variant has not been reported in the literature in individuals affected with C7-related conditions. ClinVar contains an entry for this variant (Variation ID: 1399210). For these reasons, this variant has been classified as Pathogenic.

Literature cited by the submitters: PubMed 9856499; PubMed 17407100.